The following is an entry in ClinVar:

ClinVar aggregate classification (germline): Likely pathogenic (1 of 4 stars; one submission).

Conditions:
LAMA2-related muscular dystrophy (LAMA2-RD). Also called: Laminin alpha 2-related dystrophy. Identifiers: MedGen C5679788, MONDO:0100228.

Submission:

Labcorp Genetics (formerly Invitae), Labcorp
Classification: Likely pathogenic for LAMA2-related muscular dystrophy. Last evaluated: 2022-11-29. Review status: criteria provided, single submitter. Criteria: Invitae Variant Classification Sherloc (09022015). Collection method: clinical testing. Allele origin: unknown.
Comment: In summary, the currently available evidence indicates that the variant is pathogenic, but additional data are needed to prove that conclusively. Therefore, this variant has been classified as Likely Pathogenic. This variant has not been reported in the literature in individuals affected with LAMA2-related conditions. This variant results in a copy number gain of the genomic region encompassing exon(s) 2-31 of the LAMA2 gene. While the exact position of this variant cannot be determined from the data, sub-genic copy number gains are generally in tandem (PMID: 25640679). This variant is predicted to be out-of-frame, and may result in an absent or disrupted protein product. Loss-of-function variants in LAMA2 are known to be pathogenic (PMID: 18700894, 32904964).

Literature cited by the submitters: PubMed 25640679; PubMed 18700894; PubMed 32904964.

NC_000006.11:g.(?_129371043)_(129670549_?)dup

Gene: LAMA2 (laminin subunit alpha 2; plus strand). Cytogenetic location: 6q22.33.
Variant type: Duplication.
Identifiers: ClinVar variation 3246069 (VCV003246069.1).